The following is an entry in ClinVar:

ClinVar aggregate classification (germline): Uncertain significance. Review status: criteria provided, multiple submitters, no conflicts (2 of 4 stars). 3 submissions from 3 submitters: Uncertain significance (3). Last evaluated 2025-09-09.

Conditions:
Inborn genetic diseases. Identifiers: MedGen C0950123, MeSH D030342.
Retinitis pigmentosa (RP). Identifiers: Orphanet 791, MedGen C0035334, MeSH D012174, MONDO:0019200, OMIM 268000. Inheritance: Autosomal dominant, autosomal recessive and X linked inheritance.

Allele frequency attached by ClinVar (database versions not stated): gnomAD exomes below 0.00001 and 0.00001.
gnomAD v4.1: 2 of 1,208,063 alleles (0.00017%); highest among the groups gnomAD compares: Non-Finnish European, 0.00011%; no homozygotes.

Submissions (3):

Ambry Genetics
Classification: Uncertain significance for Inborn genetic diseases. Last evaluated: 2025-09-09. Review status: criteria provided, single submitter. Criteria: Ambry Variant Classification Scheme 2023. Collection method: clinical testing. Allele origin: germline.

Labcorp Genetics (formerly Invitae), Labcorp
Classification: Uncertain significance. Last evaluated: 2024-02-24. Review status: criteria provided, single submitter. Criteria: Invitae Variant Classification Sherloc (09022015). Collection method: clinical testing. Allele origin: germline.
Comment: This sequence change replaces arginine, which is basic and polar, with glutamine, which is neutral and polar, at codon 282 of the RP2 protein (p.Arg282Gln). This variant is present in population databases (no rsID available, gnomAD no frequency), including at least one homozygous and/or hemizygous individual. This variant has not been reported in the literature in individuals affected with RP2-related conditions. ClinVar contains an entry for this variant (Variation ID: 912746). Algorithms developed to predict the effect of missense changes on protein structure and function output the following: SIFT: "Not Available"; PolyPhen-2: "Benign"; Align-GVGD: "Not Available". The glutamine amino acid residue is found in multiple mammalian species, which suggests that this missense change does not adversely affect protein function. In summary, the available evidence is currently insufficient to determine the role of this variant in disease. Therefore, it has been classified as a Variant of Uncertain Significance.

Illumina Laboratory Services, Illumina
Classification: Uncertain significance for Retinitis pigmentosa. Last evaluated: 2018-01-13. Review status: criteria provided, single submitter. Criteria: ICSL Variant Classification Criteria 13 December 2019. Collection method: clinical testing. Allele origin: germline.

NM_006915.3(RP2):c.845G>A (p.Arg282Gln)

Gene: RP2 (RP2 activator of ARL3 GTPase; plus strand). Cytogenetic location: Xp11.3.
Variant type: single nucleotide variant.
Coding change: c.845G>A on transcript NM_006915.3 (MANE Select); coding-DNA position 845, G replaced by A.
Protein change: p.Arg282Gln; replaces arginine 282 with glutamine.
Molecular consequence: missense variant.
Genome position (GRCh38, 1-based): chrX:46,860,064, G>A. VCF-style: chrX-46860064-G-A. GRCh37 (hg19) VCF-style: chrX-46719499-G-A.
Other names: short protein forms R282Q.
Identifiers: ClinVar variation 912746 (VCV000912746.11), dbSNP rs1556319897, ClinGen allele CA413040861.